The following is an entry in ClinVar:

NM_017780.4(CHD7):c.337G>T (p.Val113Leu)

Gene: CHD7 (chromodomain helicase DNA binding protein 7; plus strand). Cytogenetic location: 8q12.2.
Variant type: single nucleotide variant.
Coding change: c.337G>T on transcript NM_017780.4 (MANE Select); coding-DNA position 337, G replaced by T.
Protein change: p.Val113Leu; replaces valine 113 with leucine.
Molecular consequence: missense variant.
Genome position (GRCh38, 1-based): chr8:60,741,769, G>T. VCF-style: chr8-60741769-G-T. GRCh37 (hg19) VCF-style: chr8-61654328-G-T.
Other names: c.337G>T, p.Val113Leu (NM_001316690.1); short protein forms V113L.
Identifiers: ClinVar variation 1444956 (VCV001444956.8), dbSNP rs2150577960, ClinGen allele CA371297161.

ClinVar aggregate classification (germline): Uncertain significance (1 of 4 stars; one submission).

Conditions:
CHARGE syndrome (CHARGE). Also called: Coloboma, heart anomaly, choanal atresia, retardation, genital and ear anomalies; CHARGE association; Hall-Hittner syndrome; Hittner Hirsch Kreh syndrome; CHARGE ASSOCIATION--COLOBOMA, HEART ANOMALY, CHOANAL ATRESIA, RETARDATION, GENITAL AND EAR ANOMALIES. Identifiers: Orphanet 138, MedGen C0265354, MONDO:0008965.

Submission:

Labcorp Genetics (formerly Invitae), Labcorp
Classification: Uncertain significance for CHARGE syndrome. Last evaluated: 2021-06-01. Review status: criteria provided, single submitter. Criteria: Invitae Variant Classification Sherloc (09022015). Collection method: clinical testing. Allele origin: germline.
Comment: Advanced modeling of protein sequence and biophysical properties (such as structural, functional, and spatial information, amino acid conservation, physicochemical variation, residue mobility, and thermodynamic stability) performed at Invitae indicates that this missense variant is not expected to disrupt CHD7 protein function. In summary, the available evidence is currently insufficient to determine the role of this variant in disease. Therefore, it has been classified as a Variant of Uncertain Significance. This sequence change replaces valine with leucine at codon 113 of the CHD7 protein (p.Val113Leu). The valine residue is highly conserved and there is a small physicochemical difference between valine and leucine. This variant is not present in population databases (ExAC no frequency). This variant has not been reported in the literature in individuals with CHD7-related conditions.